The following is an entry in ClinVar:

NM_001114753.3(ENG):c.1311+5G>C

Genes: ENG (endoglin; minus strand), LOC102723566 (uncharacterized LOC102723566; plus strand). Cytogenetic location: 9q34.11.
Variant type: single nucleotide variant.
Coding change: c.1311+5G>C on transcript NM_001114753.3 (MANE Select); 5 bases into the intron after coding-DNA position 1311, G replaced by C.
Molecular consequence: intron variant.
Genome position (GRCh38, 1-based): chr9:127,819,617, C>G on the plus strand (G>C on the coding strand, the complement: ENG is on the minus strand). VCF-style: chr9-127819617-C-G. GRCh37 (hg19) VCF-style: chr9-130581896-C-G.
Other names: c.1311+5G>C (NM_000118.4); c.765+5G>C (NM_001278138.2).
Identifiers: ClinVar variation 983195 (VCV000983195.3), dbSNP rs1830423993, ClinGen allele CA1139659935.

ClinVar aggregate classification (germline): Likely pathogenic (1 of 4 stars; one submission).

Conditions:
Telangiectasia, hereditary hemorrhagic, type 1 (HHT1). Also called: Osler Weber Rendu syndrome type 1; ENG-Related Hereditary Hemorrhagic Telangiectasia. Identifiers: Orphanet 774, MedGen C4551861, MONDO:0008535, OMIM 187300. Disease mechanism: loss of function.

Submission:

NIHR Bioresource Rare Diseases, University of Cambridge
Classification: Likely pathogenic for Telangiectasia, hereditary hemorrhagic, type 1. Last evaluated: 2018-01-01. Review status: criteria provided, single submitter. Criteria: ACMG Guidelines, 2015. Collection method: research. Allele origin: unknown. Affected: yes. Observed: 1 variant allele.
Comment: PM2+PP3+PP4

Literature cited by the submitters: PubMed 32573726.